The following is an entry in ClinVar:

ClinVar aggregate classification (germline): Conflicting classifications of pathogenicity. Review status: criteria provided, conflicting classifications (1 of 4 stars). 6 submissions from 6 submitters: Uncertain significance (5); Benign (1). Last evaluated 2025-12-17.

Conditions:
Autosomal dominant nonsyndromic hearing loss 17. Also called: Deafness, autosomal dominant 17; Autosomal dominant nonsyndromic deafness 17. Identifiers: Orphanet 90635, MedGen C1863659, MONDO:0011350, OMIM 603622.
Macrothrombocytopenia and granulocyte inclusions with or without nephritis or sensorineural hearing loss (MATINS). Also called: BLEEDING DISORDER, PLATELET-TYPE, 6; MACROTHROMBOCYTOPENIA WITH LEUKOCYTE INCLUSIONS; MYH9-Related Disease (MYH9-RD); MAY-HEGGLIN ANOMALY; DOHLE LEUKOCYTE INCLUSIONS WITH GIANT PLATELETS; SEBASTIAN PLATELET SYNDROME. Identifiers: Orphanet 182050, MedGen C5200934, MONDO:0015912, OMIM 155100.
MYH9-related disorder. Identifiers: MedGen C1854520.

Allele frequency attached by ClinVar (database versions not stated): gnomAD 0.00001; gnomAD exomes 0.00001 and 0.00004; TOPMed 0.00001; ExAC 0.00004; 1000 Genomes Project 0.00020; 1000 Genomes Project 30x 0.00031.
gnomAD v4.1: 21 of 1,614,160 alleles (0.0013%); highest among the groups gnomAD compares: East Asian, 0.042%; no homozygotes.

Submissions (6):

Labcorp Genetics (formerly Invitae), Labcorp
Classification: Benign. Last evaluated: 2025-12-17. Review status: criteria provided, single submitter. Criteria: Invitae Variant Classification Sherloc (09022015). Collection method: clinical testing. Allele origin: germline.

GeneDx
Classification: Uncertain significance. Last evaluated: 2025-09-17. Review status: criteria provided, single submitter. Criteria: GeneDx Variant Classification Process June 2021. Collection method: clinical testing. Allele origin: germline. Affected: yes.
Comment: In silico analysis supports that this missense variant has a deleterious effect on protein structure/function; This variant is associated with the following publications: (PMID: 31555371, 40534807)

PreventionGenetics, part of Exact Sciences
Classification: Uncertain significance for MYH9-related condition. Last evaluated: 2024-10-26. Review status: criteria provided, single submitter. Criteria: ACMG Guidelines, 2015. Collection method: clinical testing. Allele origin: germline.
Comment: The MYH9 c.4150G>C variant is predicted to result in the amino acid substitution p.Glu1384Gln. This variant was reported in heterozygous state in in autosomal dominant congenital cataract and segregated with the disease in the family (Wang et al. 2019. PubMed ID: 31555371). This variant is reported in 0.054% of alleles in individuals of East Asian descent in gnomAD. At this time, the clinical significance of this variant is uncertain due to the absence of conclusive functional and genetic evidence.

Fulgent Genetics
Classification: Uncertain significance for Macrothrombocytopenia and granulocyte inclusions with or without nephritis or sensorineural hearing loss; Autosomal dominant nonsyndromic hearing loss 17. Last evaluated: 2024-05-11. Review status: criteria provided, single submitter. Criteria: ACMG Guidelines, 2015. Collection method: clinical testing. Allele origin: germline.

Genetics and Molecular Pathology, SA Pathology
Classification: Uncertain significance for Macrothrombocytopenia and granulocyte inclusions with or without nephritis or sensorineural hearing loss. Last evaluated: 2021-12-16. Review status: criteria provided, single submitter. Criteria: ACMG Guidelines, 2015. Collection method: clinical testing. Allele origin: germline. Inheritance: Autosomal dominant inheritance. Affected: yes.

Eurofins Ntd Llc (ga)
Classification: Uncertain significance. Last evaluated: 2016-02-05. Review status: criteria provided, single submitter. Criteria: EGL Classification Definitions 2015. Collection method: clinical testing. Allele origin: germline. Observed: 2 variant alleles, 2 heterozygotes.

NM_002473.6(MYH9):c.4150G>C (p.Glu1384Gln)

Gene: MYH9 (myosin heavy chain 9; minus strand). Cytogenetic location: 22q12.3.
Variant type: single nucleotide variant.
Coding change: c.4150G>C on transcript NM_002473.6 (MANE Select); coding-DNA position 4150, G replaced by C.
Protein change: p.Glu1384Gln; replaces glutamic acid 1384 with glutamine.
Molecular consequence: missense variant.
Genome position (GRCh38, 1-based): chr22:36,292,180, C>G on the plus strand (G>C on the coding strand, the complement: MYH9 is on the minus strand). VCF-style: chr22-36292180-C-G. GRCh37 (hg19) VCF-style: chr22-36688226-C-G.
Other names: c.4150G>C (NM_002473.5, NM_002473.4); short protein forms E1384Q.
Identifiers: ClinVar variation 285795 (VCV000285795.12), dbSNP rs200616409, ClinGen allele CA10209442.